The following is an entry in ClinVar:

ClinVar aggregate classification (germline): Conflicting classifications of pathogenicity. Review status: criteria provided, conflicting classifications (1 of 4 stars). 5 submissions from 5 submitters: Uncertain significance (3); Likely benign (1). 1 of the submissions does not count toward it. Last evaluated 2026-07-20.

Conditions:
PINK1-related disorder. Also called: PINK1-related condition.
Autosomal recessive early-onset Parkinson disease 6 (PARK6). Also called: PARKINSON DISEASE 6, EARLY-ONSET; PINK1-Related Parkinson Disease; PINK1 Type of Young-Onset Parkinson Disease; PARKINSON DISEASE 6, MODIFIER OF. Identifiers: Orphanet 2828, MedGen C1853833, MONDO:0011613, OMIM 605909.

Allele frequency attached by ClinVar (database versions not stated): gnomAD exomes 0.00014; ExAC 0.00022; gnomAD 0.00017 and 0.00020; TOPMed 0.00022; 1000 Genomes Project 0.00020; 1000 Genomes Project 30x 0.00016; ESP Exome Variant Server 0.00023.
gnomAD v4.1: 237 of 1,613,896 alleles (0.015%); highest among the groups gnomAD compares: African/African-American, 0.027%; no homozygotes.

Submissions (5):

GeneDx
Classification: Uncertain significance. Last evaluated: 2026-07-20. Review status: criteria provided, single submitter. Criteria: GeneDx Variant Classification Process June 2021. Collection method: clinical testing. Allele origin: germline.
Comment: Reported as a heterozygous variant in a patient with features of early-onset Parkinson disease in the published literature; however, a second variant in PINK1 was not reported (PMID: 16755580); In silico analysis suggests that this missense variant does not alter protein structure/function; This variant is associated with the following publications: (PMID: 22644621, 34426522, 32740907, 18330912, 36623675, 16755580)

Labcorp Genetics (formerly Invitae), Labcorp
Classification: Likely benign for Autosomal recessive early-onset Parkinson disease 6. Last evaluated: 2025-09-27. Review status: criteria provided, single submitter. Criteria: Invitae Variant Classification Sherloc (09022015). Collection method: clinical testing. Allele origin: germline.

Mayo Clinic Laboratories, Mayo Clinic
Classification: Uncertain significance. Last evaluated: 2023-11-28. Review status: criteria provided, single submitter. Criteria: ACMG Guidelines, 2015. Collection method: clinical testing. Allele origin: germline. Observed: 1 variant allele.
Comment: BP4

Fulgent Genetics
Classification: Uncertain significance for Autosomal recessive early-onset Parkinson disease 6. Last evaluated: 2021-09-29. Review status: criteria provided, single submitter. Criteria: ACMG Guidelines, 2015. Collection method: clinical testing. Allele origin: unknown.

PreventionGenetics, part of Exact Sciences
Classification: Uncertain significance for PINK1-related condition. Last evaluated: 2024-07-12. Review status: no assertion criteria provided. Collection method: clinical testing. Allele origin: germline. Not counted in ClinVar's aggregate classification.
Comment: The PINK1 c.626C>T variant is predicted to result in the amino acid substitution p.Pro209Leu. This variant was reported in at least three individual with Parkinson disease, however a second variant in this gene was reported in those individuals (Djarmati et al. 2006. PubMed ID: 16755580; Sim et al. 2012. PubMed ID: 22644621; Muldmaa et al. 2020. PubMed ID: 32740907). This variant is reported in 0.036% of alleles in individuals of African descent in gnomAD. At this time, the clinical significance of this variant is uncertain due to the absence of conclusive functional and genetic evidence.

Literature cited by the submitters: PubMed 16755580 (cited by Mayo Clinic Laboratories, Mayo Clinic); PubMed 18330912 (cited by Mayo Clinic Laboratories, Mayo Clinic); PubMed 22644621 (cited by Mayo Clinic Laboratories, Mayo Clinic); PubMed 34426522 (cited by Mayo Clinic Laboratories, Mayo Clinic).

NM_032409.3(PINK1):c.626C>T (p.Pro209Leu)

Gene: PINK1 (PTEN induced kinase 1; plus strand). Cytogenetic location: 1p36.12.
Variant type: single nucleotide variant.
Coding change: c.626C>T on transcript NM_032409.3 (MANE Select); coding-DNA position 626, C replaced by T.
Protein change: p.Pro209Leu; replaces proline 209 with leucine.
Molecular consequence: missense variant.
Genome position (GRCh38, 1-based): chr1:20,638,080, C>T. VCF-style: chr1-20638080-C-T. GRCh37 (hg19) VCF-style: chr1-20964573-C-T.
Other names: p.Pro209Leu; short protein forms P209L.
Identifiers: ClinVar variation 647795 (VCV000647795.11), dbSNP rs34677717, ClinGen allele CA660469.